The following is an entry in ClinVar:

NM_203447.4(DOCK8):c.1175A>G (p.Gln392Arg)

Gene: DOCK8 (dedicator of cytokinesis 8; plus strand). Cytogenetic location: 9p24.3.
Variant type: single nucleotide variant.
Coding change: c.1175A>G on transcript NM_203447.4 (MANE Select); coding-DNA position 1175, A replaced by G.
Protein change: p.Gln392Arg; replaces glutamine 392 with arginine.
Molecular consequence: missense variant.
Genome position (GRCh38, 1-based): chr9:334,274, A>G. VCF-style: chr9-334274-A-G. GRCh37 (hg19) VCF-style: chr9-334274-A-G.
Other names: c.971A>G, p.Gln324Arg (NM_001190458.2, NM_001193536.2); short protein forms Q324R, Q392R.
Identifiers: ClinVar variation 1519569 (VCV001519569.5), dbSNP rs898931923, ClinGen allele CA187758827.

ClinVar aggregate classification (germline): Uncertain significance (1 of 4 stars; one submission).

Conditions:
Combined immunodeficiency due to DOCK8 deficiency (HIES2). Also called: HIES autosomal recessive; DOCK8 Deficiency; HYPER-IgE SYNDROME 2, AUTOSOMAL RECESSIVE, WITH RECURRENT INFECTIONS; Hyper-IgE recurrent infection syndrome, autosomal recessive; HYPER-IgE RECURRENT INFECTION SYNDROME 2, AUTOSOMAL RECESSIVE. Identifiers: Orphanet 217390, MedGen C4722305, MONDO:0009478, OMIM 243700.

Allele frequency attached by ClinVar (database versions not stated): gnomAD exomes below 0.00001; gnomAD 0.00001; TOPMed 0.00002.
gnomAD v4.1: 5 of 1,614,124 alleles (0.00031%); highest among the groups gnomAD compares: Middle Eastern, 0.016%; no homozygotes.

Submission:

Labcorp Genetics (formerly Invitae), Labcorp
Classification: Uncertain significance for Combined immunodeficiency due to DOCK8 deficiency. Last evaluated: 2021-09-01. Review status: criteria provided, single submitter. Criteria: Invitae Variant Classification Sherloc (09022015). Collection method: clinical testing. Allele origin: germline.
Comment: This sequence change replaces glutamine with arginine at codon 392 of the DOCK8 protein (p.Gln392Arg). The glutamine residue is highly conserved and there is a small physicochemical difference between glutamine and arginine. This variant is not present in population databases (ExAC no frequency). This variant has not been reported in the literature in individuals affected with DOCK8-related conditions. Algorithms developed to predict the effect of missense changes on protein structure and function are either unavailable or do not agree on the potential impact of this missense change (SIFT: "Deleterious"; PolyPhen-2: "Benign"; Align-GVGD: "Class C0"). In summary, the available evidence is currently insufficient to determine the role of this variant in disease. Therefore, it has been classified as a Variant of Uncertain Significance.